The following is an entry in ClinVar:

NM_022455.5(NSD1):c.7948T>C (p.Trp2650Arg)

Gene: NSD1 (nuclear receptor binding SET domain protein 1; plus strand). Cytogenetic location: 5q35.3.
Variant type: single nucleotide variant.
Coding change: c.7948T>C on transcript NM_022455.5 (MANE Select); coding-DNA position 7948, T replaced by C.
Protein change: p.Trp2650Arg; replaces tryptophan 2650 with arginine.
Molecular consequence: missense variant.
Genome position (GRCh38, 1-based): chr5:177,295,316, T>C. VCF-style: chr5-177295316-T-C. GRCh37 (hg19) VCF-style: chr5-176722317-T-C.
Other names: c.7075T>C, p.Trp2359Arg (NM_001365684.2, NM_001409308.1, NM_172349.5); c.7948T>C, p.Trp2650Arg (NM_001409301.1, NM_001409302.1, NM_001409303.1); c.7528T>C, p.Trp2510Arg (NM_001409304.1); c.7195T>C, p.Trp2399Arg (NM_001409305.1); c.7186T>C, p.Trp2396Arg (NM_001409306.1, NM_001409307.1); c.6826T>C, p.Trp2276Arg (NM_001409309.1); short protein forms W2276R, W2359R, W2396R, W2399R, W2510R, W2650R.
Identifiers: ClinVar variation 2629280 (VCV002629280.3), dbSNP rs1370977207, ClinGen allele CA362335215.

ClinVar aggregate classification (germline): Uncertain significance. Review status: criteria provided, multiple submitters, no conflicts (2 of 4 stars). 2 submissions from 2 submitters: Uncertain significance (2). Last evaluated 2025-03-17.

Conditions:
NSD1-related disorder. Also called: NSD1-related condition.

Allele frequency attached by ClinVar (database versions not stated): TOPMed below 0.00001.

Submissions (2):

Labcorp Genetics (formerly Invitae), Labcorp
Classification: Uncertain significance. Last evaluated: 2025-03-17. Review status: criteria provided, single submitter. Criteria: Invitae Variant Classification Sherloc (09022015). Collection method: clinical testing. Allele origin: germline.
Comment: This sequence change replaces tryptophan, which is neutral and slightly polar, with arginine, which is basic and polar, at codon 2650 of the NSD1 protein (p.Trp2650Arg). This variant is not present in population databases (gnomAD no frequency). This variant has not been reported in the literature in individuals affected with NSD1-related conditions. ClinVar contains an entry for this variant (Variation ID: 2629280). Invitae Evidence Modeling of protein sequence and biophysical properties (such as structural, functional, and spatial information, amino acid conservation, physicochemical variation, residue mobility, and thermodynamic stability) indicates that this missense variant is not expected to disrupt NSD1 protein function with a negative predictive value of 95%. In summary, the available evidence is currently insufficient to determine the role of this variant in disease. Therefore, it has been classified as a Variant of Uncertain Significance.

PreventionGenetics, part of Exact Sciences
Classification: Uncertain significance for NSD1-related condition. Last evaluated: 2023-07-09. Review status: criteria provided, single submitter. Criteria: ACMG Guidelines, 2015. Collection method: clinical testing. Allele origin: germline.
Comment: The NSD1 c.7948T>C variant is predicted to result in the amino acid substitution p.Trp2650Arg. To our knowledge, this variant has not been reported in the literature or in a large population database, indicating this variant is rare. At this time, the clinical significance of this variant is uncertain due to the absence of conclusive functional and genetic evidence.